The following is an entry in ClinVar:

ClinVar aggregate classification (germline): Uncertain significance (1 of 4 stars; one submission).

Conditions:
Dilated cardiomyopathy 1DD (CMD1DD). Identifiers: Orphanet 154, MedGen C2750995, MONDO:0013168, OMIM 613172.

Submission:

Labcorp Genetics (formerly Invitae), Labcorp
Classification: Uncertain significance for Dilated cardiomyopathy 1DD. Last evaluated: 2019-12-31. Review status: criteria provided, single submitter. Criteria: Invitae Variant Classification Sherloc (09022015). Collection method: clinical testing. Allele origin: germline.
Comment: This sequence change replaces glycine with aspartic acid at codon 377 of the RBM20 protein (p.Gly377Asp). The glycine residue is weakly conserved and there is a moderate physicochemical difference between glycine and aspartic acid. This variant is not present in population databases (ExAC no frequency). This variant has not been reported in the literature in individuals with RBM20-related conditions. Algorithms developed to predict the effect of missense changes on protein structure and function are either unavailable or do not agree on the potential impact of this missense change (SIFT: "Not Available"; PolyPhen-2: "Benign"; Align-GVGD: "Class C0"). In summary, the available evidence is currently insufficient to determine the role of this variant in disease. Therefore, it has been classified as a Variant of Uncertain Significance.

NM_001134363.3(RBM20):c.1130G>A (p.Gly377Asp)

Gene: RBM20 (RNA binding motif protein 20; plus strand). Cytogenetic location: 10q25.2.
Variant type: single nucleotide variant.
Coding change: c.1130G>A on transcript NM_001134363.3 (MANE Select); coding-DNA position 1130, G replaced by A.
Protein change: p.Gly377Asp; replaces glycine 377 with aspartic acid.
Molecular consequence: missense variant.
Genome position (GRCh38, 1-based): chr10:110,781,739, G>A. VCF-style: chr10-110781739-G-A. GRCh37 (hg19) VCF-style: chr10-112541497-G-A.
Other names: short protein forms G377D.
Identifiers: ClinVar variation 839646 (VCV000839646.1), dbSNP rs1844353297, ClinGen allele CA378385731.